The following is an entry in ClinVar:

NM_001267550.2(TTN):c.74372C>T (p.Thr24791Ile)

Genes: TTN (titin; minus strand), TTN-AS1 (TTN antisense RNA 1; plus strand). Cytogenetic location: 2q31.2.
Variant type: single nucleotide variant.
Coding change: c.74372C>T on transcript NM_001267550.2 (MANE Select); coding-DNA position 74372, C replaced by T.
Protein change: p.Thr24791Ile; replaces threonine 24791 with isoleucine.
Molecular consequence: missense variant.
Genome position (GRCh38, 1-based): chr2:178,571,760, G>A on the plus strand (C>T on the coding strand, the complement: TTN is on the minus strand). VCF-style: chr2-178571760-G-A. GRCh37 (hg19) VCF-style: chr2-179436487-G-A.
Other names: c.69449C>T, p.Thr23150Ile (NM_001256850.1); c.47177C>T, p.Thr15726Ile (NM_003319.4); c.66668C>T, p.Thr22223Ile (NM_133378.4); c.47552C>T, p.Thr15851Ile (NM_133432.3); c.47753C>T, p.Thr15918Ile (NM_133437.4); c.74372C>T (NM_001267550.1); short protein forms T15726I, T15851I, T15918I, T22223I, T23150I, T24791I.
Identifiers: ClinVar variation 1330778 (VCV001330778.10), dbSNP rs1055906361, ClinGen allele CA60997348.

ClinVar aggregate classification (germline): Uncertain significance. Review status: criteria provided, multiple submitters, no conflicts (2 of 4 stars). 4 submissions from 4 submitters: Uncertain significance (4). Last evaluated 2024-08-04.

Conditions:
Hypertrophic cardiomyopathy 9. Also called: Familial hypertrophic cardiomyopathy 9. Identifiers: MedGen C1861065, MONDO:0013412, OMIM 613765.
Dilated cardiomyopathy 1G (CMD1G). Identifiers: Orphanet 154, MedGen C1858763, MONDO:0011400, OMIM 604145.
Tibial muscular dystrophy (TMD). Also called: UDD MYOPATHY; Tibial muscular dystrophy, tardive; Udd Distal Myopathy – Tibial Muscular Dystrophy. Identifiers: Orphanet 609, MedGen C1838244, MONDO:0010870, OMIM 600334.
Autosomal recessive limb-girdle muscular dystrophy type 2J (LGMDR10). Also called: Limb-girdle muscular dystrophy, type 2J; MUSCULAR DYSTROPHY, LIMB-GIRDLE, AUTOSOMAL RECESSIVE 10. Identifiers: Orphanet 140922, MedGen C1837342, MONDO:0012127, OMIM 608807.
Early-onset myopathy with fatal cardiomyopathy (CMYO5). Also called: Salih Myopathy; CONGENITAL MYOPATHY 5 WITH CARDIOMYOPATHY. Identifiers: Orphanet 289377, MedGen C2673677, MONDO:0012714, OMIM 611705. Disease mechanism: loss of function.
Myopathy, myofibrillar, 9, with early respiratory failure (MFM9). Also called: MYOPATHY, PROXIMAL, WITH EARLY RESPIRATORY MUSCLE INVOLVEMENT; Hereditary myopathy with early respiratory failure; Myopathy, distal, with early respiratory failure, autosomal dominant; EDSTROM MYOPATHY. Identifiers: Orphanet 178464, Orphanet 34521, MedGen C1863599, MONDO:0011362, OMIM 603689.

gnomAD v4.1: 3 of 1,613,268 alleles (0.00019%); highest among the groups gnomAD compares: Non-Finnish European, 0.00025%; no homozygotes.

Submissions (4):

Revvity Omics, Revvity
Classification: Uncertain significance. Last evaluated: 2024-08-04. Review status: criteria provided, single submitter. Criteria: ACMG Guidelines, 2015. Collection method: clinical testing. Allele origin: germline.

GeneDx
Classification: Uncertain significance. Last evaluated: 2024-05-07. Review status: criteria provided, single submitter. Criteria: GeneDx Variant Classification Process June 2021. Collection method: clinical testing. Allele origin: germline. Affected: yes.
Comment: Not observed at significant frequency in large population cohorts (gnomAD); Missense variant in a gene in which most reported pathogenic variants are truncating/loss of function; Has not been previously published as pathogenic or benign to our knowledge

Fulgent Genetics
Classification: Uncertain significance for Tibial muscular dystrophy; Myopathy, myofibrillar, 9, with early respiratory failure; Dilated cardiomyopathy 1G; Autosomal recessive limb-girdle muscular dystrophy type 2J; Early-onset myopathy with fatal cardiomyopathy; Hypertrophic cardiomyopathy 9. Last evaluated: 2021-11-02. Review status: criteria provided, single submitter. Criteria: ACMG Guidelines, 2015. Collection method: clinical testing. Allele origin: unknown.

ARUP Laboratories, Molecular Genetics and Genomics, ARUP Laboratories
Classification: Uncertain significance. Last evaluated: 2021-07-23. Review status: criteria provided, single submitter. Criteria: ARUP Molecular Germline Variant Investigation Process 2021. Collection method: clinical testing. Allele origin: germline.
Comment: The TTN c.66668C>T; p.Thr22223Ile variant (rs1055906361) is rare in the general population (<0.2% allele frequency in the Genome Aggregation Database) and has not been reported in the medical literature in association with dilated cardiomyopathy (DCM) or other TTN-related disease. The clinical relevance of rare missense variants in this gene, which are identified on average once per individual sequenced in affected populations (Herman 2012), is not well understood. Yet, evidence suggests that the vast majority of such missense variants do not contribute to the clinical outcome of DCM (Begay 2015). Thus, the clinical significance of the p.Thr22223Ile variant cannot be determined with certainty. References: Begay RL et al. Role of Titin Missense Variants in Dilated Cardiomyopathy. J Am Heart Assoc. 2015 Nov 13;4(11). PMID: 26567375. Herman DS et al. Truncations of titin causing dilated cardiomyopathy. N Engl J Med. 2012 Feb 16;366(7):619-28. PMID: 22335739.